The following is an entry in ClinVar:

NM_002528.7(NTHL1):c.791+5G>A

Gene: NTHL1 (nth like DNA glycosylase 1; minus strand). Cytogenetic location: 16p13.3.
Variant type: single nucleotide variant.
Coding change: c.791+5G>A on transcript NM_002528.7 (MANE Select); 5 bases into the intron after coding-DNA position 791, G replaced by A.
Molecular consequence: intron variant.
Genome position (GRCh38, 1-based): chr16:2,040,128, C>T on the plus strand (G>A on the coding strand, the complement: NTHL1 is on the minus strand). VCF-style: chr16-2040128-C-T. GRCh37 (hg19) VCF-style: chr16-2090129-C-T.
Other names: c.791+5G>A (LRG_1366t1); c.461+5G>A (NM_001318194.2); c.620+5G>A (NM_001318193.2).
Identifiers: ClinVar variation 640885 (VCV000640885.6), dbSNP rs1596216303, ClinGen allele CA915946190.

ClinVar aggregate classification (germline): Uncertain significance (1 of 4 stars; one submission).

Submission:

Labcorp Genetics (formerly Invitae), Labcorp
Classification: Uncertain significance. Last evaluated: 2025-03-19. Review status: criteria provided, single submitter. Criteria: Invitae Variant Classification Sherloc (09022015). Collection method: clinical testing. Allele origin: germline.
Comment: This sequence change falls in intron 5 of the NTHL1 gene. It does not directly change the encoded amino acid sequence of the NTHL1 protein. It affects a nucleotide within the consensus splice site. This variant is not present in population databases (gnomAD no frequency). This variant has not been reported in the literature in individuals affected with NTHL1-related conditions. ClinVar contains an entry for this variant (Variation ID: 640885). Variants that disrupt the consensus splice site are a relatively common cause of aberrant splicing (PMID: 17576681, 9536098). RNA analysis performed to evaluate the impact of this variant on mRNA splicing indicates it does not significantly alter splicing (internal data). In summary, the available evidence is currently insufficient to determine the role of this variant in disease. Therefore, it has been classified as a Variant of Uncertain Significance.

Literature cited by the submitters: PubMed 17576681; PubMed 9536098.